The following is an entry in ClinVar:

ClinVar aggregate classification (germline): Uncertain significance (1 of 4 stars; one submission).

Conditions:
Neurofibromatosis, type 2 (SWNV). Also called: SCHWANNOMATOSIS, VESTIBULAR; BILATERAL ACOUSTIC NEUROFIBROMATOSIS; NF2-Related Schwannomatosis. Identifiers: Orphanet 637, MedGen C0027832, MONDO:0007039, OMIM 101000. Disease mechanism: loss of function.

Submission:

Labcorp Genetics (formerly Invitae), Labcorp
Classification: Uncertain significance for Neurofibromatosis, type 2. Last evaluated: 2024-01-04. Review status: criteria provided, single submitter. Criteria: Invitae Variant Classification Sherloc (09022015). Collection method: clinical testing. Allele origin: unknown.
Comment: This variant is a gross deletion of the genomic region encompassing exon(s) 8 of the NF2 gene. This variant would be expected to be in-frame, preserving the integrity of the reading frame. A similar copy number variant has been observed in individual(s) with neurofibromatosis type 2 (PMID: 19968670). Experimental studies and prediction algorithms are not available or were not evaluated, and the functional significance of this variant is currently unknown. In summary, the available evidence is currently insufficient to determine the role of this variant in disease. Therefore, it has been classified as a Variant of Uncertain Significance.

Literature cited by the submitters: PubMed 19968670.

NC_000022.10:g.(?_30057107)_(30057348_?)del

Gene: NF2 (NF2, moesin-ezrin-radixin like (MERLIN) tumor suppressor; plus strand). Cytogenetic location: 22q12.2.
Variant type: Deletion.
Identifiers: ClinVar variation 3247127 (VCV003247127.1).